The following is an entry in ClinVar:

ClinVar aggregate classification (germline): Uncertain significance (1 of 4 stars; one submission).

Conditions:
Familial focal epilepsy with variable foci (FPEVF). Identifiers: Orphanet 98820, MedGen C1858477, MONDO:0020310.

gnomAD v4.1: 1 of 1,523,238 alleles (0.000066%); highest among the groups gnomAD compares: Non-Finnish European, 0.000087%; no homozygotes.

Submission:

Labcorp Genetics (formerly Invitae), Labcorp
Classification: Uncertain significance for Familial focal epilepsy with variable foci. Last evaluated: 2024-02-07. Review status: criteria provided, single submitter. Criteria: Invitae Variant Classification Sherloc (09022015). Collection method: clinical testing. Allele origin: germline.
Comment: This sequence change falls in intron 12 of the DEPDC5 gene. It does not directly change the encoded amino acid sequence of the DEPDC5 protein. It affects a nucleotide within the consensus splice site. This variant is present in population databases (no rsID available, gnomAD 0.001%). This variant has not been reported in the literature in individuals affected with DEPDC5-related conditions. Variants that disrupt the consensus splice site are a relatively common cause of aberrant splicing (PMID: 17576681, 9536098). Algorithms developed to predict the effect of sequence changes on RNA splicing suggest that this variant is not likely to affect RNA splicing. In summary, the available evidence is currently insufficient to determine the role of this variant in disease. Therefore, it has been classified as a Variant of Uncertain Significance.

Literature cited by the submitters: PubMed 17576681; PubMed 9536098.

NM_001242896.3(DEPDC5):c.767+4T>C

Gene: DEPDC5 (DEP domain containing 5, GATOR1 subcomplex subunit; plus strand). Cytogenetic location: 22q12.2.
Variant type: single nucleotide variant.
Coding change: c.767+4T>C on transcript NM_001242896.3 (MANE Select); 4 bases into the intron after coding-DNA position 767, T replaced by C.
Molecular consequence: intron variant.
Genome position (GRCh38, 1-based): chr22:31,792,821, T>C. VCF-style: chr22-31792821-T-C. GRCh37 (hg19) VCF-style: chr22-32188807-T-C.
Other names: c.767+4T>C (NM_001364318.2, NM_001136029.4, NM_014662.6 and 7 more transcripts); c.683+4T>C (NM_001369902.1, NM_001369901.1).
Identifiers: ClinVar variation 3624588 (VCV003624588.2).
Genomic context (GRCh38, chr22:31,792,821, plus strand): 5'-AAACCGAGCCTCAATTCGACAGGATCACAAGGGGAGATTCTATGAAGACTTTTACAAGTA[T>C]GTTTGGGTGCTTTGCTATACTTTTTATTTATTTATTAGTTGTTTCTTTCCTAACTTAAAA-3'